The following is an entry in ClinVar:

NM_020338.4(ZMIZ1):c.2749G>A (p.Gly917Arg)

Gene: ZMIZ1 (zinc finger MIZ-type containing 1; plus strand). Cytogenetic location: 10q22.3.
Variant type: single nucleotide variant.
Coding change: c.2749G>A on transcript NM_020338.4 (MANE Select); coding-DNA position 2749, G replaced by A.
Protein change: p.Gly917Arg; replaces glycine 917 with arginine.
Molecular consequence: missense variant.
Genome position (GRCh38, 1-based): chr10:79,307,485, G>A. VCF-style: chr10-79307485-G-A. GRCh37 (hg19) VCF-style: chr10-81067242-G-A.
Other names: short protein forms G917R.
Identifiers: ClinVar variation 2339745 (VCV002339745.7), dbSNP rs200162208, ClinGen allele CA210222187.
Genomic context (GRCh38, chr10:79,307,485, plus strand): 5'-GGCAACTTTGACTTCCCCCACGGGAACCCTGGAGGGACATCCATGAATGACTTCATGCAC[G>A]GGCCCCCCCAGCTCTCCCACCCCCCGGACATGCCCAACAACATGGCCGCCCTCGAGAAAC-3'
Protein context (NP_065071.1, residues 907-927): GGTSMNDFMH[Gly917Arg]PPQLSHPPDM

ClinVar aggregate classification (germline): Uncertain significance. Review status: criteria provided, multiple submitters, no conflicts (2 of 4 stars). 3 submissions from 3 submitters: Uncertain significance (3). Last evaluated 2025-05-01.

Conditions:
Inborn genetic diseases. Identifiers: MedGen C0950123, MeSH D030342.

gnomAD v4.1: 8 of 1,608,586 alleles (0.0005%); highest among the groups gnomAD compares: Non-Finnish European, 0.00068%; no homozygotes.

Submissions (3):

Ambry Genetics
Classification: Uncertain significance for Inborn genetic diseases. Last evaluated: 2025-05-01. Review status: criteria provided, single submitter. Criteria: Ambry Variant Classification Scheme 2023. Collection method: clinical testing. Allele origin: germline.

Labcorp Genetics (formerly Invitae), Labcorp
Classification: Uncertain significance. Last evaluated: 2024-10-24. Review status: criteria provided, single submitter. Criteria: Invitae Variant Classification Sherloc (09022015). Collection method: clinical testing. Allele origin: germline.
Comment: This sequence change replaces glycine, which is neutral and non-polar, with arginine, which is basic and polar, at codon 917 of the ZMIZ1 protein (p.Gly917Arg). This variant is present in population databases (rs200162208, gnomAD 0.002%). This variant has not been reported in the literature in individuals affected with ZMIZ1-related conditions. ClinVar contains an entry for this variant (Variation ID: 2339745). Invitae Evidence Modeling of protein sequence and biophysical properties (such as structural, functional, and spatial information, amino acid conservation, physicochemical variation, residue mobility, and thermodynamic stability) has been performed for this missense variant. However, the output from this modeling did not meet the statistical confidence thresholds required to predict the impact of this variant on ZMIZ1 protein function. In summary, the available evidence is currently insufficient to determine the role of this variant in disease. Therefore, it has been classified as a Variant of Uncertain Significance.

Women's Health and Genetics/Laboratory Corporation of America, LabCorp
Classification: Uncertain significance. Last evaluated: 2023-04-25. Review status: criteria provided, single submitter. Criteria: LabCorp Variant Classification Summary - May 2015. Collection method: clinical testing. Allele origin: germline.
Comment: Variant summary: ZMIZ1 c.2749G>A (p.Gly917Arg) results in a non-conservative amino acid change in the encoded protein sequence. Four of five in-silico tools predict a damaging effect of the variant on protein function. The variant allele was found at a frequency of 8e-06 in 248764 control chromosomes. The available data on variant occurrences in the general population are insufficient to allow any conclusion about variant significance. To our knowledge, no occurrence of c.2749G>A in individuals affected with Neurodevelopmental Disorder With Dysmorphic Facies And Distal Skeletal Anomalies and no experimental evidence demonstrating its impact on protein function have been reported. One clinical diagnostic laboratory has submitted clinical-significance assessments for this variant to ClinVar after 2014 without evidence for independent evaluation. One laboratory classified the variant as uncertain significance. Based on the evidence outlined above, the variant was classified as uncertain significance.